The following is an entry in ClinVar:

NM_018368.4(LMBRD1):c.1172G>A (p.Trp391Ter)

Gene: LMBRD1 (LMBR1 domain containing 1; minus strand). Cytogenetic location: 6q13.
Variant type: single nucleotide variant.
Coding change: c.1172G>A on transcript NM_018368.4 (MANE Select); coding-DNA position 1172, G replaced by A.
Protein change: p.Trp391Ter; replaces tryptophan 391 with a stop codon.
Molecular consequence: nonsense.
Genome position (GRCh38, 1-based): chr6:69,700,781, C>T on the plus strand (G>A on the coding strand, the complement: LMBRD1 is on the minus strand). VCF-style: chr6-69700781-C-T. GRCh37 (hg19) VCF-style: chr6-70410673-C-T.
Other names: c.953G>A, p.Trp318Ter (NM_001363722.2, NM_001367271.1, NM_001367272.1); short protein forms W318*, W391*.
Identifiers: ClinVar variation 2745402 (VCV002745402.3), dbSNP rs2482221144, ClinGen allele CA364664263.
Genomic context (GRCh38, chr6:69,700,781, plus strand): 5'-ACACAAAATGATGAGAAAAAAATAATACTGTAATATATACTTACTCTAATCCAAAAGAAC[C>T]ATATGCCAATATTTCGAATTCCTGCCATTGAAGTAAAAATAAAGTACATAATAATAATTG-3'

ClinVar aggregate classification (germline): Pathogenic (1 of 4 stars; one submission).

Conditions:
Methylmalonic aciduria and homocystinuria type cblF. Also called: COBALAMIN F DISEASE; COBALAMIN, DEFECT IN LYSOSOMAL RELEASE OF; METHYLMALONIC ACIDEMIA AND HOMOCYSTINURIA, cblF TYPE; METHYLMALONIC ACIDURIA DUE TO VITAMIN B12-RELEASE DEFECT; VITAMIN B12 LYSOSOMAL RELEASE DEFECT; VITAMIN B12 STORAGE DISEASE. Identifiers: Orphanet 79284, MedGen C1848578, MONDO:0010183, OMIM 277380.

Submission:

Labcorp Genetics (formerly Invitae), Labcorp
Classification: Pathogenic for Methylmalonic aciduria and homocystinuria type cblF. Last evaluated: 2023-07-19. Review status: criteria provided, single submitter. Criteria: Invitae Variant Classification Sherloc (09022015). Collection method: clinical testing. Allele origin: germline.
Comment: This sequence change creates a premature translational stop signal (p.Trp391*) in the LMBRD1 gene. It is expected to result in an absent or disrupted protein product. Loss-of-function variants in LMBRD1 are known to be pathogenic (PMID: 19136951, 21303734). For these reasons, this variant has been classified as Pathogenic. This variant has not been reported in the literature in individuals affected with LMBRD1-related conditions. This variant is not present in population databases (gnomAD no frequency).

Literature cited by the submitters: PubMed 19136951; PubMed 21303734.